The following is an entry in ClinVar:

NM_001363.5(DKC1):c.1226C>T (p.Pro409Leu)

Gene: DKC1 (dyskerin pseudouridine synthase 1; plus strand). Cytogenetic location: Xq28.
Variant type: single nucleotide variant.
Coding change: c.1226C>T on transcript NM_001363.5 (MANE Select); coding-DNA position 1226, C replaced by T.
Protein change: p.Pro409Leu; replaces proline 409 with leucine.
Molecular consequence: missense variant. On other transcripts: non-coding transcript variant (3).
Genome position (GRCh38, 1-based): chrX:154,774,672, C>T. VCF-style: chrX-154774672-C-T. GRCh37 (hg19) VCF-style: chrX-154002947-C-T.
Other names: c.1226C>T, p.Pro409Leu (NM_001142463.3, NM_001288747.2); short protein forms P409L.
Identifiers: ClinVar variation 38942 (VCV000038942.5), dbSNP rs121912289, ClinGen allele CA343226.

ClinVar aggregate classification (germline): Likely pathogenic. Review status: criteria provided, single submitter (1 of 4 stars). 3 submissions from 3 submitters: Likely pathogenic (1). 2 of the submissions do not count toward it. Last evaluated 2022-04-22.

Conditions:
Dyskeratosis congenita. Identifiers: Orphanet 1775, MedGen C0265965, MONDO:0015780.
Dyskeratosis congenita, X-linked (DKCX). Also called: Zinsser-Cole-Engman Syndrome. Identifiers: MedGen C1148551, MONDO:0010584, OMIM 305000.

Submissions (3):

Ambry Genetics
Classification: Likely pathogenic for Dyskeratosis congenita. Last evaluated: 2022-04-22. Review status: criteria provided, single submitter. Criteria: Ambry Variant Classification Scheme 2023. Collection method: clinical testing. Allele origin: germline.
Comment: The p.P409L variant (also known as c.1226C>T), located in coding exon 12 of the DKC1 gene, results from a C to T substitution at nucleotide position 1226. The proline at codon 409 is replaced by leucine, an amino acid with similar properties. This alteration has been found to segregate among multiple hemizygous males in the same family who had a classical dyskeratosis congenita triad of features (Ding YG et al. J Invest Dermatol, 2004 Sep;123:470-3). This missense alteration is located in a region that has a low rate of benign missense variation (Lek M et al. Nature. 2016 Aug 18;536(7616):285-91; DECIPHER: Database of Chromosomal Imbalance and Phenotype in Humans using Ensembl Resources. Firth H.V. et al. 2009. Am.J.Hum.Genet. 84, 524-533 (DOI)). This variant is considered to be rare based on population cohorts in the Genome Aggregation Database (gnomAD). This amino acid position is highly conserved in available vertebrate species. In addition, this alteration is predicted to be deleterious by in silico analysis. Based on the majority of available evidence to date, this variant is likely to be pathogenic.

GeneReviews
No classification provided. Condition: Dyskeratosis congenita, X-linked. Review status: no classification provided. Collection method: literature only. Allele origin: unknown. Not counted in ClinVar's aggregate classification.

UniProtKB/Swiss-Prot
No classification provided. Condition: Dyskeratosis congenita X-linked. Review status: no classification provided. Collection method: not provided. Allele origin: germline. Not counted in ClinVar's aggregate classification.

Literature cited by the submitters: PubMed 15304085 (cited by Ambry Genetics); PubMed 20301779 (cited by GeneReviews); NCBI Bookshelf NBK22301 (cited by GeneReviews).